The following is an entry in ClinVar:

NM_015512.5(DNAH1):c.2651G>A (p.Arg884Gln)

Gene: DNAH1 (dynein axonemal heavy chain 1; plus strand). Cytogenetic location: 3p21.1.
Variant type: single nucleotide variant.
Coding change: c.2651G>A on transcript NM_015512.5 (MANE Select); coding-DNA position 2651, G replaced by A.
Protein change: p.Arg884Gln; replaces arginine 884 with glutamine.
Molecular consequence: missense variant.
Genome position (GRCh38, 1-based): chr3:52,350,512, G>A. VCF-style: chr3-52350512-G-A. GRCh37 (hg19) VCF-style: chr3-52384528-G-A.
Other names: short protein forms R884Q.
Identifiers: ClinVar variation 2040499 (VCV002040499.4), dbSNP rs771037847, ClinGen allele CA2433337.

ClinVar aggregate classification (germline): Uncertain significance. Review status: criteria provided, multiple submitters, no conflicts (2 of 4 stars). 2 submissions from 2 submitters: Uncertain significance (2). Last evaluated 2024-10-03.

Conditions:
Spermatogenic failure 18. Identifiers: MedGen C4539783, MONDO:0054615, OMIM 617576.
Ciliary dyskinesia, primary, 37 (CILD37). Also called: CILIARY DYSKINESIA, PRIMARY, 37, WITH OR WITHOUT SITUS INVERSUS. Identifiers: MedGen C4539798, MONDO:0033204, OMIM 617577.

Allele frequency attached by ClinVar (database versions not stated): gnomAD 0.00003; TOPMed 0.00005; ExAC 0.00016.

Submissions (2):

Labcorp Genetics (formerly Invitae), Labcorp
Classification: Uncertain significance for Ciliary dyskinesia, primary, 37; Spermatogenic failure 18. Last evaluated: 2024-10-03. Review status: criteria provided, single submitter. Criteria: Invitae Variant Classification Sherloc (09022015). Collection method: clinical testing. Allele origin: germline.
Comment: This sequence change replaces arginine, which is basic and polar, with glutamine, which is neutral and polar, at codon 884 of the DNAH1 protein (p.Arg884Gln). This variant is present in population databases (rs771037847, gnomAD 0.07%). This variant has not been reported in the literature in individuals affected with DNAH1-related conditions. ClinVar contains an entry for this variant (Variation ID: 2040499). An algorithm developed to predict the effect of missense changes on protein structure and function outputs the following: PolyPhen-2: "Benign". The glutamine amino acid residue is found in multiple mammalian species, which suggests that this missense change does not adversely affect protein function. Algorithms developed to predict the effect of sequence changes on RNA splicing suggest that this variant may create or strengthen a splice site. In summary, the available evidence is currently insufficient to determine the role of this variant in disease. Therefore, it has been classified as a Variant of Uncertain Significance.

Juno Genomics, Hangzhou Juno Genomics, Inc
Classification: Uncertain significance for Ciliary dyskinesia, primary, 37; Spermatogenic failure 18. Review status: criteria provided, single submitter. Criteria: ACMG Guidelines, 2015. Collection method: clinical testing. Allele origin: germline.
Comment: Absent from controls (or at extremely low frequency if recessive) in Genome Aggregation Database.;Multiple lines of computational evidence support a deleterious effect on the gene or gene product.